The following is an entry in ClinVar:

NM_130837.3(OPA1):c.712C>G (p.Gln238Glu)

Genes: OPA1 (OPA1 mitochondrial dynamin like GTPase; plus strand), OPA1-AS1 (OPA1 antisense RNA 1; minus strand). Cytogenetic location: 3q29.
Variant type: single nucleotide variant.
Coding change: c.712C>G on transcript NM_130837.3 (MANE Select); coding-DNA position 712, C replaced by G.
Protein change: p.Gln238Glu; replaces glutamine 238 with glutamic acid.
Molecular consequence: missense variant. On other transcripts: intron variant (5).
Genome position (GRCh38, 1-based): chr3:193,626,125, C>G. VCF-style: chr3-193626125-C-G. GRCh37 (hg19) VCF-style: chr3-193343914-C-G.
Other names: c.178C>G, p.Gln60Glu (NM_001354663.2); c.550C>G, p.Gln184Glu (NM_130833.3); c.604C>G, p.Gln202Glu (NM_130835.3); c.658C>G, p.Gln220Glu (NM_130836.3); c.253-5487C>G (NM_001354664.2); c.679-5487C>G (NM_130834.3); c.625-5487C>G (NM_015560.3); c.571-5487C>G (NM_130832.3); and 1 more; short protein forms Q238E, Q184E, Q202E, Q220E, Q60E.
Identifiers: ClinVar variation 430212 (VCV000430212.8), dbSNP rs1131691832, ClinGen allele CA355788600.

ClinVar aggregate classification (germline): Conflicting classifications of pathogenicity. Review status: criteria provided, conflicting classifications (1 of 4 stars). 2 submissions from 2 submitters: Uncertain significance (1); Likely benign (1). Last evaluated 2022-11-28.

Allele frequency attached by ClinVar (database versions not stated): gnomAD exomes below 0.00001.
gnomAD v4.1: 1 of 1,614,056 alleles (0.000062%); highest among the groups gnomAD compares: Non-Finnish European, 0.000085%; no homozygotes.

Submissions (2):

GeneDx
Classification: Uncertain significance. Last evaluated: 2022-11-28. Review status: criteria provided, single submitter. Criteria: GeneDx Variant Classification Process June 2021. Collection method: clinical testing. Allele origin: germline. Affected: yes.
Comment: Has not been previously published as pathogenic or benign to our knowledge; Not observed at significant frequency in large population cohorts (gnomAD); In silico analysis supports that this variant does not alter splicing; Reported using an alternate transcript of the gene

Labcorp Genetics (formerly Invitae), Labcorp
Classification: Likely benign. Last evaluated: 2022-07-09. Review status: criteria provided, single submitter. Criteria: Invitae Variant Classification Sherloc (09022015). Collection method: clinical testing. Allele origin: germline.